The following is an entry in ClinVar:

NM_005862.3(STAG1):c.1894G>A (p.Val632Ile)

Gene: STAG1 (STAG1 cohesin complex component; minus strand). Cytogenetic location: 3q22.3.
Variant type: single nucleotide variant.
Coding change: c.1894G>A on transcript NM_005862.3 (MANE Select); coding-DNA position 1894, G replaced by A.
Protein change: p.Val632Ile; replaces valine 632 with isoleucine.
Molecular consequence: missense variant.
Genome position (GRCh38, 1-based): chr3:136,422,553, C>T on the plus strand (G>A on the coding strand, the complement: STAG1 is on the minus strand). VCF-style: chr3-136422553-C-T. GRCh37 (hg19) VCF-style: chr3-136141395-C-T.
Other names: short protein forms V632I.
Identifiers: ClinVar variation 1684541 (VCV001684541.2), dbSNP rs766435466, ClinGen allele CA2632769.
Genomic context (GRCh38, chr3:136,422,553, plus strand): 5'-TCTGGATGGTATATTCTTCACTGCATAAGATACTATAGGTTTTACTGCAGGCTTCTAGAA[C>T]ATCTGATTCTACGTGTTTCTCCACAACAAACTTAATCTGTTTTAATAAAGCATCCAGATG-3'
Protein context (NP_005853.2, residues 622-642): FVVEKHVESD[Val632Ile]LEACSKTYSI

ClinVar aggregate classification (germline): Uncertain significance (1 of 4 stars; one submission).

Conditions:
Intellectual developmental disorder, autosomal dominant 47. Also called: Intellectual disability, autosomal dominant 47; MENTAL RETARDATION, AUTOSOMAL DOMINANT 47. Identifiers: Orphanet 502434, MedGen C4539951, MONDO:0030912, OMIM 617635.

Allele frequency attached by ClinVar (database versions not stated): gnomAD exomes below 0.00001; ExAC 0.00001.

Submission:

Institute of Human Genetics, University of Goettingen
Classification: Uncertain significance for Intellectual developmental disorder, autosomal dominant 47. Last evaluated: 2022-05-20. Review status: criteria provided, single submitter. Criteria: ACMG Guidelines, 2015. Collection method: clinical testing. Allele origin: unknown. Inheritance: Autosomal dominant inheritance. Observed: 1 heterozygote.
Comment: For the following reasons, the STAG1 sequence variant found is assessed by us as a "variant of unclear significance" (VUS): a comparison with the gnomAD browser did not provide any evidence that this sequence change is a norm variant that can also be detected in non-affected individuals. The mutation is not currently listed in ClinVar or the HGMD database; both affected brothers are carriers for the above mutation; the mutation is independently classified as benign by the majority (n=10 of 19) of prediction programs; the following ACMG criteria were used for classification: PM2, PP1, PP2, BP4.